The following is an entry in ClinVar:

NM_015692.5(CPAMD8):c.5342C>G (p.Pro1781Arg)

Gene: CPAMD8 (C3 and PZP like alpha-2-macroglobulin domain containing 8; minus strand). Cytogenetic location: 19p13.11.
Variant type: single nucleotide variant.
Coding change: c.5342C>G on transcript NM_015692.5 (MANE Select); coding-DNA position 5342, C replaced by G.
Protein change: p.Pro1781Arg; replaces proline 1781 with arginine.
Molecular consequence: missense variant. On other transcripts: non-coding transcript variant (1).
Genome position (GRCh38, 1-based): chr19:16,896,260, G>C on the plus strand (C>G on the coding strand, the complement: CPAMD8 is on the minus strand). VCF-style: chr19-16896260-G-C. GRCh37 (hg19) VCF-style: chr19-17007071-G-C.
Other names: c.5483C>G (NM_015692.2); short protein forms P1781R.
Identifiers: ClinVar variation 2152472 (VCV002152472.19), dbSNP rs371186391, ClinGen allele CA9284340.

ClinVar aggregate classification (germline): Benign/Likely benign. Review status: criteria provided, multiple submitters, no conflicts (2 of 4 stars). 3 submissions from 3 submitters: Benign (1); Likely benign (1). 1 of the submissions does not count toward it. Last evaluated 2025-02-01.

Conditions:
CPAMD8-related disorder. Also called: CPAMD8-related condition.

Allele frequency attached by ClinVar (database versions not stated): gnomAD exomes 0.00017; gnomAD 0.00036; ExAC 0.00052; TOPMed 0.00055; 1000 Genomes Project 0.00160; 1000 Genomes Project 30x 0.00250.
gnomAD v4.1: 308 of 1,613,532 alleles (0.019%); highest among the groups gnomAD compares: East Asian, 0.63%; 2 homozygotes.

Submissions (3):

CeGaT Center for Human Genetics Tuebingen
Classification: Likely benign. Last evaluated: 2025-02-01. Review status: criteria provided, single submitter. Criteria: CeGaT Center For Human Genetics Tuebingen Variant Classification Criteria Version 2. Collection method: clinical testing. Allele origin: germline. Affected: yes. Observed: 1 variant allele.
Comment: CPAMD8: BS2

Labcorp Genetics (formerly Invitae), Labcorp
Classification: Benign. Last evaluated: 2022-03-18. Review status: criteria provided, single submitter. Criteria: Invitae Variant Classification Sherloc (09022015). Collection method: clinical testing. Allele origin: germline.

PreventionGenetics, part of Exact Sciences
Classification: Benign for CPAMD8-related condition. Last evaluated: 2019-08-12. Review status: no assertion criteria provided. Collection method: clinical testing. Allele origin: germline. Not counted in ClinVar's aggregate classification.
Comment: This variant is classified as benign based on ACMG/AMP sequence variant interpretation guidelines (Richards et al. 2015 PMID: 25741868, with internal and published modifications).